The following is an entry in ClinVar:

NM_020831.6(MRTFA):c.2183T>G (p.Leu728Trp)

Gene: MRTFA (myocardin related transcription factor A; minus strand). Cytogenetic location: 22q13.1.
Variant type: single nucleotide variant.
Coding change: c.2183T>G on transcript NM_020831.6 (MANE Select); coding-DNA position 2183, T replaced by G.
Protein change: p.Leu728Trp; replaces leucine 728 with tryptophan.
Molecular consequence: missense variant.
Genome position (GRCh38, 1-based): chr22:40,418,555, A>C on the plus strand (T>G on the coding strand, the complement: MRTFA is on the minus strand). VCF-style: chr22-40418555-A-C. GRCh37 (hg19) VCF-style: chr22-40814559-A-C.
Other names: c.1883T>G, p.Leu628Trp (NM_001282660.2); c.2033T>G, p.Leu678Trp (NM_001282661.3); c.2183T>G, p.Leu728Trp (NM_001282662.3); c.1988T>G, p.Leu663Trp (NM_001318139.2); short protein forms L678W, L628W, L663W, L728W.
Identifiers: ClinVar variation 4764466 (VCV004764466.1).

ClinVar aggregate classification (germline): Uncertain significance (1 of 4 stars; one submission).

Submission:

Labcorp Genetics (formerly Invitae), Labcorp
Classification: Uncertain significance. Last evaluated: 2025-03-25. Review status: criteria provided, single submitter. Criteria: Invitae Variant Classification Sherloc (09022015). Collection method: clinical testing. Allele origin: germline.
Comment: This sequence change replaces leucine, which is neutral and non-polar, with tryptophan, which is neutral and slightly polar, at codon 628 of the MKL1 protein (p.Leu628Trp). This variant is not present in population databases (gnomAD no frequency). This variant has not been reported in the literature in individuals affected with MKL1-related conditions. An algorithm developed to predict the effect of missense changes on protein structure and function (PolyPhen-2) suggests that this variant is likely to be tolerated. In summary, the available evidence is currently insufficient to determine the role of this variant in disease. Therefore, it has been classified as a Variant of Uncertain Significance.